The following is an entry in ClinVar:

NM_016239.4(MYO15A):c.5761C>T (p.Arg1921Ter)

Gene: MYO15A (myosin XVA; plus strand). Cytogenetic location: 17p11.2.
Variant type: single nucleotide variant.
Coding change: c.5761C>T on transcript NM_016239.4 (MANE Select); coding-DNA position 5761, C replaced by T.
Protein change: p.Arg1921Ter; replaces arginine 1921 with a stop codon.
Molecular consequence: nonsense.
Genome position (GRCh38, 1-based): chr17:18,142,190, C>T. VCF-style: chr17-18142190-C-T. GRCh37 (hg19) VCF-style: chr17-18045504-C-T.
Other names: short protein forms R1921*.
Identifiers: ClinVar variation 1971239 (VCV001971239.8), dbSNP rs760490445, ClinGen allele CA8424386.

ClinVar aggregate classification (germline): Pathogenic/Likely pathogenic. Review status: criteria provided, multiple submitters, no conflicts (2 of 4 stars). 4 submissions from 4 submitters: Pathogenic (2); Likely pathogenic (2). Last evaluated 2026-07-01.

Conditions:
MYO15A-related disorder. Also called: MYO15A-related condition.
Autosomal recessive nonsyndromic hearing loss 3. Also called: NEUROSENSORY NONSYNDROMIC RECESSIVE DEAFNESS 3. Identifiers: Orphanet 90636, MedGen C1838263, MONDO:0010860, OMIM 600316.

Allele frequency attached by ClinVar (database versions not stated): TOPMed below 0.00001; ExAC 0.00001; gnomAD 0.00001; gnomAD exomes 0.00001.
gnomAD v4.1: 9 of 1,613,632 alleles (0.00056%); highest among the groups gnomAD compares: Non-Finnish European, 0.00076%; no homozygotes.

Submissions (4):

CeGaT Center for Human Genetics Tuebingen
Classification: Pathogenic. Last evaluated: 2026-07-01. Review status: criteria provided, single submitter. Criteria: CeGaT Center For Human Genetics Tuebingen Variant Classification Criteria Version 2. Collection method: clinical testing. Allele origin: germline. Affected: yes. Observed: 1 variant allele.
Comment: MYO15A: PVS1, PM2, PM3:Supporting

Labcorp Genetics (formerly Invitae), Labcorp
Classification: Pathogenic. Last evaluated: 2025-09-08. Review status: criteria provided, single submitter. Criteria: Invitae Variant Classification Sherloc (09022015). Collection method: clinical testing. Allele origin: germline.
Comment: This sequence change creates a premature translational stop signal (p.Arg1921*) in the MYO15A gene. It is expected to result in an absent or disrupted protein product. Loss-of-function variants in MYO15A are known to be pathogenic (PMID: 17546645). The frequency data for this variant in the population databases is considered unreliable, as metrics indicate poor data quality at this position in the gnomAD database. This variant has not been reported in the literature in individuals affected with MYO15A-related conditions. ClinVar contains an entry for this variant (Variation ID: 1971239). For these reasons, this variant has been classified as Pathogenic.

Blueprint Genetics
Classification: Likely pathogenic for MYO15A-related disorders. Last evaluated: 2024-11-18. Review status: criteria provided, single submitter. Criteria: ACMG Guidelines, 2015. Collection method: clinical testing. Allele origin: germline. Affected: yes. Observed: 2 variant alleles.

Laboratorio de Genetica e Diagnostico Molecular, Hospital Israelita Albert Einstein
Classification: Likely pathogenic for Autosomal recessive nonsyndromic hearing loss 3. Last evaluated: 2024-05-20. Review status: criteria provided, single submitter. Criteria: ACMG Guidelines, 2015. Collection method: clinical testing. Allele origin: germline. Affected: yes.
Comment: ACMG classification criteria: PVS1 very strong, PM2 supporting

Literature cited by the submitters: PubMed 17546645 (cited by Labcorp Genetics (formerly Invitae), Labcorp).